The following is an entry in ClinVar:

ClinVar aggregate classification (germline): Uncertain significance (1 of 4 stars; one submission).

Conditions:
Charcot-Marie-Tooth disease type 2. Also called: Charcot-Marie-Tooth type 2. Identifiers: Orphanet 64746, MedGen C0270914, MONDO:0018993.

Submission:

Labcorp Genetics (formerly Invitae), Labcorp
Classification: Uncertain significance for Charcot-Marie-Tooth disease type 2. Last evaluated: 2024-02-07. Review status: criteria provided, single submitter. Criteria: Invitae Variant Classification Sherloc (09022015). Collection method: clinical testing. Allele origin: germline.
Comment: This variant, c.254_256dup, results in the insertion of 1 amino acid(s) of the MFN2 protein (p.Val85_Arg86insMet), but otherwise preserves the integrity of the reading frame. This variant is not present in population databases (gnomAD no frequency). This variant has been observed in individual(s) with Charcot-Marie-Tooth syndrome (Invitae). It has also been observed to segregate with disease in related individuals. ClinVar contains an entry for this variant (Variation ID: 941029). Experimental studies and prediction algorithms are not available or were not evaluated, and the functional significance of this variant is currently unknown. In summary, the available evidence is currently insufficient to determine the role of this variant in disease. Therefore, it has been classified as a Variant of Uncertain Significance.

NM_014874.4(MFN2):c.254_256dup (p.Val85_Arg86insMet)

Gene: MFN2 (mitofusin 2; plus strand). Cytogenetic location: 1p36.22.
Variant type: Duplication.
Coding change: c.254_256dup on transcript NM_014874.4 (MANE Select); coding-DNA positions 254 to 256, 3 bases duplicated (TGA; older notation c.254_256dupTGA).
Protein change: p.Val85_Arg86insMet.
Molecular consequence: inframe insertion.
Genome position (GRCh38, 1-based): chr1:11,992,633-11,992,635, TGA duplicated. VCF-style (leftmost placement, unchanged base first): chr1-11992632-G-GTGA. GRCh37 (hg19) VCF-style: chr1-12052689-G-GTGA.
Other names: c.254_256dup, p.Val85_Arg86insMet (NM_001127660.2).
Identifiers: ClinVar variation 941029 (VCV000941029.9), dbSNP rs1638738352, ClinGen allele CA1139655971.